The following is an entry in ClinVar:

NM_005685.4(GTF2IRD1):c.1954A>G (p.Met652Val)

Gene: GTF2IRD1 (GTF2I repeat domain containing 1; plus strand). Cytogenetic location: 7q11.23.
Variant type: single nucleotide variant.
Coding change: c.1954A>G on transcript NM_005685.4 (MANE Select); coding-DNA position 1954, A replaced by G.
Protein change: p.Met652Val; replaces methionine 652 with valine.
Molecular consequence: missense variant.
Genome position (GRCh38, 1-based): chr7:74,555,211, A>G. VCF-style: chr7-74555211-A-G. GRCh37 (hg19) VCF-style: chr7-73969541-A-G.
Other names: c.2050A>G, p.Met684Val (NM_001199207.2); c.1954A>G, p.Met652Val (NM_001410888.1, NM_016328.3); short protein forms M652V, M684V.
Identifiers: ClinVar variation 3060725 (VCV003060725.2), dbSNP rs2301895, ClinGen allele CA4297092.

ClinVar aggregate classification (germline): Benign (0 of 4 stars; one submission).

Conditions:
GTF2IRD1-related disorder. Also called: GTF2IRD1-related condition.

Allele frequency attached by ClinVar (database versions not stated): gnomAD exomes 0.27762; ExAC 0.30778; gnomAD 0.37045; ESP Exome Variant Server 0.37290; TOPMed 0.38551; 1000 Genomes Project 30x 0.41349; 1000 Genomes Project 0.41454.
gnomAD v4.1: 462,714 of 1,612,464 alleles (29%); highest among the groups gnomAD compares: African/African-American, 60%; 72,973 homozygotes.

Submission:

PreventionGenetics, part of Exact Sciences
Classification: Benign for GTF2IRD1-related condition. Last evaluated: 2019-10-17. Review status: no assertion criteria provided. Collection method: clinical testing. Allele origin: germline.
Comment: This variant is classified as benign based on ACMG/AMP sequence variant interpretation guidelines (Richards et al. 2015 PMID: 25741868, with internal and published modifications).